The following is an entry in ClinVar:

ClinVar aggregate classification (germline): Likely benign (0 of 4 stars; one submission).

Conditions:
PCSK1-related disorder. Also called: PCSK1-related condition.

gnomAD v4.1: 6 of 1,525,978 alleles (0.00039%); highest among the groups gnomAD compares: African/African-American, 0.0082%; no homozygotes.

Submission:

PreventionGenetics, part of Exact Sciences
Classification: Likely benign for PCSK1-related condition. Last evaluated: 2022-09-26. Review status: no assertion criteria provided. Collection method: clinical testing. Allele origin: germline.
Comment: This variant is classified as likely benign based on ACMG/AMP sequence variant interpretation guidelines (Richards et al. 2015 PMID: 25741868, with internal and published modifications).

NM_000439.5(PCSK1):c.180+790C>G

Genes: CAST (calpastatin; plus strand), PCSK1 (proprotein convertase subtilisin/kexin type 1; minus strand), LOC101929710 (uncharacterized LOC101929710; plus strand). Cytogenetic location: 5q15.
Variant type: single nucleotide variant.
Coding change: c.180+790C>G on transcript NM_000439.5 (MANE Select); 790 bases into the intron after coding-DNA position 180, C replaced by G.
Molecular consequence: intron variant.
Genome position (GRCh38, 1-based): chr5:96,432,073, G>C on the plus strand (C>G on the coding strand, the complement: PCSK1 is on the minus strand). VCF-style: chr5-96432073-G-C. GRCh37 (hg19) VCF-style: chr5-95767777-G-C.
Other names: c.-175+52421G>C (NM_001423254.1, NM_001423259.1, NM_001423255.1 and 6 more transcripts); c.-103+52421G>C (NM_001423253.1); c.-40+52421G>C (NM_001423258.1); c.39+10C>G (NM_001177875.2).
Identifiers: ClinVar variation 3352438 (VCV003352438.1).